The following is an entry in ClinVar:

NM_004415.4(DSP):c.2404G>C (p.Asp802His)

Gene: DSP (desmoplakin; plus strand). Cytogenetic location: 6p24.3.
Variant type: single nucleotide variant.
Coding change: c.2404G>C on transcript NM_004415.4 (MANE Select); coding-DNA position 2404, G replaced by C.
Protein change: p.Asp802His; replaces aspartic acid 802 with histidine.
Molecular consequence: missense variant.
Genome position (GRCh38, 1-based): chr6:7,574,763, G>C. VCF-style: chr6-7574763-G-C. GRCh37 (hg19) VCF-style: chr6-7574996-G-C.
Other names: c.2404G>C, p.Asp802His (NM_001008844.3, NM_001319034.2); short protein forms D802H.
Identifiers: ClinVar variation 2157386 (VCV002157386.5), dbSNP rs770105310, ClinGen allele CA362681247.
Genomic context (GRCh38, chr6:7,574,763, plus strand): 5'-GACATGTTAAAGGTTTATGAAGCCAGGCTCACTGAGGAGGAAACTGTCTGCCTGGACCTG[G>C]ATAAAGTGGAAGCTTACCGCTGTGGACTGAAGGTAACTTGAAAGCTTATAACAGTGGCCC-3'
Protein context (NP_004406.2, residues 792-812): TEEETVCLDL[Asp802His]KVEAYRCGLK

ClinVar aggregate classification (germline): Uncertain significance. Review status: criteria provided, multiple submitters, no conflicts (2 of 4 stars). 2 submissions from 2 submitters: Uncertain significance (2). Last evaluated 2024-12-05.

Conditions:
Arrhythmogenic cardiomyopathy with wooly hair and keratoderma. Also called: Dilated cardiomyopathy with woolly hair and keratoderma; Carvajal syndrome; PALMOPLANTAR KERATODERMA WITH LEFT VENTRICULAR CARDIOMYOPATHY AND WOOLLY HAIR; Arrhythmogenic cardiomyopathy with woolly hair and keratoderma. Identifiers: Orphanet 65282, MedGen C1854063, MONDO:0011581, OMIM 605676.
Arrhythmogenic right ventricular dysplasia 8 (ARVD8). Also called: Arrhythmogenic Right Ventricular Dysplasia/Cardiomyopathy 8; ARRHYTHMOGENIC RIGHT VENTRICULAR DYSPLASIA, FAMILIAL, 8; ARRHYTHMOGENIC RIGHT VENTRICULAR CARDIOMYOPATHY 8. Identifiers: MedGen C1843896, MONDO:0011831, OMIM 607450.
Cardiovascular phenotype. Identifiers: MedGen CN230736.

Allele frequency attached by ClinVar (database versions not stated): gnomAD 0.00001.
gnomAD v4.1: 2 of 1,614,066 alleles (0.00012%); highest among the groups gnomAD compares: African/African-American, 0.0027%; no homozygotes.

Submissions (2):

Ambry Genetics
Classification: Uncertain significance for Cardiovascular phenotype. Last evaluated: 2024-12-05. Review status: criteria provided, single submitter. Criteria: Ambry Variant Classification Scheme 2023. Collection method: clinical testing. Allele origin: germline.
Comment: The p.D802H variant (also known as c.2404G>C), located in coding exon 17 of the DSP gene, results from a G to C substitution at nucleotide position 2404. The aspartic acid at codon 802 is replaced by histidine, an amino acid with similar properties. This amino acid position is conserved. In addition, the in silico prediction for this alteration is inconclusive. Based on the available evidence, the clinical significance of this variant remains unclear.

Labcorp Genetics (formerly Invitae), Labcorp
Classification: Uncertain significance for Arrhythmogenic cardiomyopathy with wooly hair and keratoderma; Arrhythmogenic right ventricular dysplasia 8. Last evaluated: 2023-02-17. Review status: criteria provided, single submitter. Criteria: Invitae Variant Classification Sherloc (09022015). Collection method: clinical testing. Allele origin: germline.
Comment: This sequence change replaces aspartic acid, which is acidic and polar, with histidine, which is basic and polar, at codon 802 of the DSP protein (p.Asp802His). This variant is present in population databases (no rsID available, gnomAD 0.01%). This variant has not been reported in the literature in individuals affected with DSP-related conditions. An algorithm developed to predict the effect of missense changes on protein structure and function (PolyPhen-2) suggests that this variant is likely to be disruptive. In summary, the available evidence is currently insufficient to determine the role of this variant in disease. Therefore, it has been classified as a Variant of Uncertain Significance.